The following is an entry in ClinVar:

ClinVar aggregate classification (germline): Pathogenic/Likely pathogenic. Review status: criteria provided, multiple submitters, no conflicts (2 of 4 stars). 2 submissions from 2 submitters: Pathogenic (1); Likely pathogenic (1). Last evaluated 2026-05-20.

Conditions:
Charlevoix-Saguenay spastic ataxia (SACS). Also called: AUTOSOMAL RECESSIVE SPASTIC ATAXIA OF CHARLEVOIX-SAGUENAY; Spastic ataxia of Charlevoix-Saguenay; SPASTIC ATAXIA 6, AUTOSOMAL RECESSIVE. Identifiers: Orphanet 98, MedGen C1849140, MONDO:0010041, OMIM 270550.

Submissions (2):

Institute of Human Genetics, University of Leipzig Medical Center
Classification: Pathogenic for Charlevoix-Saguenay spastic ataxia. Last evaluated: 2026-05-20. Review status: criteria provided, single submitter. Criteria: ACMG Guidelines, 2015. Collection method: clinical testing. Allele origin: inherited. Inheritance: Autosomal recessive inheritance. Affected: yes.
Comment: Criteria applied: PVS1,PM2, PM3_SUP

Hadassah Hebrew University Medical Center
Classification: Likely pathogenic for Charlevoix-Saguenay spastic ataxia. Last evaluated: 2019-06-20. Review status: criteria provided, single submitter. Criteria: ACMG Guidelines, 2015. Collection method: clinical testing. Allele origin: germline. Inheritance: Autosomal recessive inheritance. Affected: yes.

NM_014363.6(SACS):c.964G>T (p.Glu322Ter)

Gene: SACS (sacsin molecular chaperone; minus strand). Cytogenetic location: 13q12.12.
Variant type: single nucleotide variant.
Coding change: c.964G>T on transcript NM_014363.6 (MANE Select); coding-DNA position 964, G replaced by T.
Protein change: p.Glu322Ter; replaces glutamic acid 322 with a stop codon.
Molecular consequence: nonsense.
Genome position (GRCh38, 1-based): chr13:23,355,648, C>A on the plus strand (G>T on the coding strand, the complement: SACS is on the minus strand). VCF-style: chr13-23355648-C-A. GRCh37 (hg19) VCF-style: chr13-23929787-C-A.
Other names: c.523G>T, p.Glu175Ter (NM_001278055.2); short protein forms E175*, E322*.
Identifiers: ClinVar variation 804468 (VCV000804468.3), dbSNP rs1593145590, ClinGen allele CA387550673.